The following is an entry in ClinVar:

ClinVar aggregate classification (germline): Conflicting classifications of pathogenicity. Review status: criteria provided, conflicting classifications (1 of 4 stars). 3 submissions from 3 submitters: Uncertain significance (1); Likely benign (1). 1 of the submissions does not count toward it. Last evaluated 2025-04-08.

Conditions:
BBS10-related disorder. Also called: BBS10-related condition.
Bardet-Biedl syndrome (BBS). Identifiers: Orphanet 110, MedGen C0752166, MONDO:0015229.
Bardet-Biedl syndrome 10 (BBS10). Identifiers: Orphanet 110, MedGen C1859568, MONDO:0014438, OMIM 615987.

Allele frequency attached by ClinVar (database versions not stated): TOPMed below 0.00001; ExAC 0.00001; gnomAD 0.00001; gnomAD exomes 0.00001.
gnomAD v4.1: 17 of 1,613,966 alleles (0.0011%); highest among the groups gnomAD compares: South Asian, 0.016%; no homozygotes.

Submissions (3):

Labcorp Genetics (formerly Invitae), Labcorp
Classification: Likely benign for Bardet-Biedl syndrome. Last evaluated: 2025-04-08. Review status: criteria provided, single submitter. Criteria: Invitae Variant Classification Sherloc (09022015). Collection method: clinical testing. Allele origin: germline.

Illumina Laboratory Services, Illumina
Classification: Uncertain significance for Bardet-Biedl syndrome 10. Last evaluated: 2018-01-13. Review status: criteria provided, single submitter. Criteria: ICSL Variant Classification Criteria 13 December 2019. Collection method: clinical testing. Allele origin: germline.

PreventionGenetics, part of Exact Sciences
Classification: Likely benign for BBS10-related condition. Last evaluated: 2021-10-05. Review status: no assertion criteria provided. Collection method: clinical testing. Allele origin: germline. Not counted in ClinVar's aggregate classification.
Comment: This variant is classified as likely benign based on ACMG/AMP sequence variant interpretation guidelines (Richards et al. 2015 PMID: 25741868, with internal and published modifications).

NM_024685.4(BBS10):c.1992A>G (p.Ala664=)

Gene: BBS10 (Bardet-Biedl syndrome 10; minus strand). Cytogenetic location: 12q21.2.
Variant type: single nucleotide variant.
Coding change: c.1992A>G on transcript NM_024685.4 (MANE Select); coding-DNA position 1992, A replaced by G.
Protein change: p.Ala664=; no amino-acid change (alanine 664 retained).
Molecular consequence: synonymous variant.
Genome position (GRCh38, 1-based): chr12:76,345,993, T>C on the plus strand (A>G on the coding strand, the complement: BBS10 is on the minus strand). VCF-style: chr12-76345993-T-C. GRCh37 (hg19) VCF-style: chr12-76739773-T-C.
Identifiers: ClinVar variation 882227 (VCV000882227.13), dbSNP rs758730453, ClinGen allele CA6694061.